The following is an entry in ClinVar:

NC_000019.9:g.(?_15379191)_(15386256_?)del

Gene: BRD4 (bromodomain containing 4; minus strand). Cytogenetic location: 19p13.12.
Variant type: Deletion.
Identifiers: ClinVar variation 3242728 (VCV003242728.1).

ClinVar aggregate classification (germline): Pathogenic (1 of 4 stars; one submission).

Submission:

Labcorp Genetics (formerly Invitae), Labcorp
Classification: Pathogenic. Last evaluated: 2023-10-24. Review status: criteria provided, single submitter. Criteria: Invitae Variant Classification Sherloc (09022015). Collection method: clinical testing. Allele origin: unknown.
Comment: This variant is a gross deletion of the genomic region encompassing exon(s) 2-3 of the BRD4 gene, which includes the initiator codon. This deletion extends beyond the assayed region for this gene and therefore may encompass additional genes. It is expected to result in an absent or disrupted protein product. Loss-of-function variants in BRD4 are known to be pathogenic (PMID: 11997514, 29379197). This variant has not been reported in the literature in individuals affected with BRD4-related conditions. For these reasons, this variant has been classified as Pathogenic.

Literature cited by the submitters: PubMed 11997514; PubMed 29379197.